The following is an entry in ClinVar:

ClinVar aggregate classification (germline): Conflicting classifications of pathogenicity. Review status: criteria provided, conflicting classifications (1 of 4 stars). 3 submissions from 3 submitters: Uncertain significance (2); Likely benign (1). Last evaluated 2023-06-28.

Conditions:
Hereditary cancer-predisposing syndrome. Also called: Hereditary Cancer Syndrome; Hereditary neoplastic syndrome; Tumor predisposition; Neoplastic Syndromes, Hereditary. Identifiers: Orphanet 140162, MedGen C0027672, MeSH D009386, MONDO:0015356.
Hereditary breast ovarian cancer syndrome. Also called: Hereditary breast and ovarian cancer syndrome (HBOC); Hereditary breast and ovarian cancer; BRCA1- and BRCA2-Associated Hereditary Breast and Ovarian Cancer; Breast and ovarian cancer; Hereditary breast and ovarian cancer syndrome; Hereditary breast and/or ovarian cancer syndrome. Identifiers: Orphanet 145, MedGen C0677776, MeSH D061325, MONDO:0003582. Disease mechanism: loss of function.

Submissions (3):

Labcorp Genetics (formerly Invitae), Labcorp
Classification: Uncertain significance for Hereditary breast ovarian cancer syndrome. Last evaluated: 2023-06-28. Review status: criteria provided, single submitter. Criteria: Invitae Variant Classification Sherloc (09022015). Collection method: clinical testing. Allele origin: germline.
Comment: Advanced modeling of protein sequence and biophysical properties (such as structural, functional, and spatial information, amino acid conservation, physicochemical variation, residue mobility, and thermodynamic stability) performed at Invitae indicates that this missense variant is not expected to disrupt BRCA2 protein function. In summary, the available evidence is currently insufficient to determine the role of this variant in disease. Therefore, it has been classified as a Variant of Uncertain Significance. This variant is not present in population databases (gnomAD no frequency). ClinVar contains an entry for this variant (Variation ID: 1791326). This variant has not been reported in the literature in individuals affected with BRCA2-related conditions. This sequence change replaces proline, which is neutral and non-polar, with threonine, which is neutral and polar, at codon 814 of the BRCA2 protein (p.Pro814Thr).

University of Washington Department of Laboratory Medicine, University of Washington
Classification: Likely benign for Hereditary cancer-predisposing syndrome. Last evaluated: 2023-03-23. Review status: criteria provided, single submitter. Criteria: Dines et al. (Genet Med. 2020). Collection method: curation. Allele origin: germline.
Comment: Missense variant in a coldspot region where missense variants are very unlikely to be pathogenic (PMID:31911673).

BRCA2 exon 11 coldspot. Reclassification based on statistical prior probability.

Ambry Genetics
Classification: Uncertain significance for Hereditary cancer-predisposing syndrome. Last evaluated: 2021-10-12. Review status: criteria provided, single submitter. Criteria: Ambry Variant Classification Scheme 2023. Collection method: clinical testing. Allele origin: germline.
Comment: The p.P814T variant (also known as c.2440C>A), located in coding exon 10 of the BRCA2 gene, results from a C to A substitution at nucleotide position 2440. The proline at codon 814 is replaced by threonine, an amino acid with highly similar properties. This amino acid position is not well conserved in available vertebrate species. In addition, this alteration is predicted to be tolerated by in silico analysis. Since supporting evidence is limited at this time, the clinical significance of this alteration remains unclear.

NM_000059.4(BRCA2):c.2440C>A (p.Pro814Thr)

Gene: BRCA2 (BRCA2 DNA repair associated; plus strand). Cytogenetic location: 13q13.1.
Variant type: single nucleotide variant.
Coding change: c.2440C>A on transcript NM_000059.4 (MANE Select); coding-DNA position 2440, C replaced by A.
Protein change: p.Pro814Thr; replaces proline 814 with threonine.
Molecular consequence: missense variant.
Genome position (GRCh38, 1-based): chr13:32,336,795, C>A. VCF-style: chr13-32336795-C-A. GRCh37 (hg19) VCF-style: chr13-32910932-C-A.
Other names: c.2440C>A, p.Pro814Thr (NM_001406719.1, NM_001406720.1); short protein forms P814T.
Identifiers: ClinVar variation 1791326 (VCV001791326.7), dbSNP rs2137486481, ClinGen allele CA387772215.